The following is an entry in ClinVar:

NM_001349253.2(SCN11A):c.2269T>A (p.Ser757Thr)

Gene: SCN11A (sodium voltage-gated channel alpha subunit 11; minus strand). Cytogenetic location: 3p22.2.
Variant type: single nucleotide variant.
Coding change: c.2269T>A on transcript NM_001349253.2 (MANE Select); coding-DNA position 2269, T replaced by A.
Protein change: p.Ser757Thr; replaces serine 757 with threonine.
Molecular consequence: missense variant.
Genome position (GRCh38, 1-based): chr3:38,896,979, A>T on the plus strand (T>A on the coding strand, the complement: SCN11A is on the minus strand). VCF-style: chr3-38896979-A-T. GRCh37 (hg19) VCF-style: chr3-38938470-A-T.
Other names: c.2269T>A, p.Ser757Thr (NM_014139.3); short protein forms S757T.
Identifiers: ClinVar variation 3375445 (VCV003375445.1).
Genomic context (GRCh38, chr3:38,896,979, plus strand): 5'-TACATTCCCACATATTTTCGATCCATTCCCCGCAGAGGATGCGGAATACCACTAGGAAGG[A>T]GTGCCAGAAATCCCCCATGTGCCAGTGCCGTAAACATGAGACTGTCGGGCCTGTCGGGTT-3'
Protein context (NP_001336182.1, residues 747-767): RHWHMGDFWH[Ser757Thr]FLVVFRILCG

ClinVar aggregate classification (germline): Uncertain significance (1 of 4 stars; one submission).

gnomAD v4.1: 4 of 1,614,030 alleles (0.00025%); highest among the groups gnomAD compares: African/African-American, 0.0013%; no homozygotes.

Submission:

Women's Health and Genetics/Laboratory Corporation of America, LabCorp
Classification: Uncertain significance. Last evaluated: 2024-09-17. Review status: criteria provided, single submitter. Criteria: LabCorp Variant Classification Summary - May 2015. Collection method: clinical testing. Allele origin: germline.
Comment: Variant summary: SCN11A c.2269T>A (p.Ser757Thr) results in a conservative amino acid change located in the Ion transport domain (IPR005821) of the encoded protein sequence. Four of five in-silico tools predict a damaging effect of the variant on protein function. The variant allele was found at a frequency of 4e-06 in 251338 control chromosomes. The available data on variant occurrences in the general population are insufficient to allow any conclusion about variant significance. To our knowledge, no occurrence of c.2269T>A in individuals affected with Hereditary Sensory And Autonomic Neuropathy Type 7 and no experimental evidence demonstrating its impact on protein function have been reported. No submitters have cited clinical-significance assessments for this variant to ClinVar. Based on the evidence outlined above, the variant was classified as uncertain significance.